The following is an entry in ClinVar:

NM_014339.7(IL17RA):c.832C>T (p.Arg278Cys)

Gene: IL17RA (interleukin 17 receptor A; plus strand). Cytogenetic location: 22q11.1.
Variant type: single nucleotide variant.
Coding change: c.832C>T on transcript NM_014339.7 (MANE Select); coding-DNA position 832, C replaced by T.
Protein change: p.Arg278Cys; replaces arginine 278 with cysteine.
Molecular consequence: missense variant.
Genome position (GRCh38, 1-based): chr22:17,103,563, C>T. VCF-style: chr22-17103563-C-T. GRCh37 (hg19) VCF-style: chr22-17584453-C-T.
Other names: c.832C>T, p.Arg278Cys (NM_001289905.2); c.832C>T (NM_014339.5, NM_001289905.1); short protein forms R278C.
Identifiers: ClinVar variation 476368 (VCV000476368.12), dbSNP rs767388612, ClinGen allele CA10086500.

ClinVar aggregate classification (germline): Uncertain significance. Review status: criteria provided, multiple submitters, no conflicts (2 of 4 stars). 5 submissions from 5 submitters: Uncertain significance (5). Last evaluated 2025-09-10.

Conditions:
Immunodeficiency 51 (IMD51). Also called: CANDIDIASIS, FAMILIAL, 5. Identifiers: Orphanet 1334, MedGen C4310803, MONDO:0013500, OMIM 613953.

Allele frequency attached by ClinVar (database versions not stated): gnomAD 0.00004 and 0.00005; TOPMed 0.00004.
gnomAD v4.1: 46 of 1,612,588 alleles (0.0029%); highest among the groups gnomAD compares: Middle Eastern, 0.049%; no homozygotes.

Submissions (5):

Genomic Medicine Center of Excellence, King Faisal Specialist Hospital and Research Centre
Classification: Uncertain significance for Immunodeficiency 51. Last evaluated: 2025-09-10. Review status: criteria provided, single submitter. Criteria: ACMG Guidelines, 2015. Collection method: clinical testing. Allele origin: germline.

Ambry Genetics
Classification: Uncertain significance. Last evaluated: 2025-04-06. Review status: criteria provided, single submitter. Criteria: Ambry Variant Classification Scheme 2023. Collection method: clinical testing. Allele origin: germline.

Blueprint Genetics
Classification: Uncertain significance. Last evaluated: 2024-11-25. Review status: criteria provided, single submitter. Criteria: ACMG Guidelines, 2015. Collection method: clinical testing. Allele origin: germline.

Labcorp Genetics (formerly Invitae), Labcorp
Classification: Uncertain significance for Immunodeficiency 51. Last evaluated: 2022-08-16. Review status: criteria provided, single submitter. Criteria: Invitae Variant Classification Sherloc (09022015). Collection method: clinical testing. Allele origin: germline.
Comment: This sequence change replaces arginine, which is basic and polar, with cysteine, which is neutral and slightly polar, at codon 278 of the IL17RA protein (p.Arg278Cys). This variant is present in population databases (rs767388612, gnomAD 0.01%). This variant has not been reported in the literature in individuals affected with IL17RA-related conditions. ClinVar contains an entry for this variant (Variation ID: 476368). Algorithms developed to predict the effect of missense changes on protein structure and function are either unavailable or do not agree on the potential impact of this missense change (SIFT: "Deleterious"; PolyPhen-2: "Benign"; Align-GVGD: "Class C0"). In summary, the available evidence is currently insufficient to determine the role of this variant in disease. Therefore, it has been classified as a Variant of Uncertain Significance.

Breakthrough Genomics
Classification: Uncertain significance. Review status: criteria provided, single submitter. Criteria: ACMG Guidelines, 2015. Collection method: not provided. Allele origin: germline. Inheritance: Autosomal dominant inheritance. Affected: yes.